The following is an entry in ClinVar:

ClinVar aggregate classification (germline): Likely benign (1 of 4 stars; one submission).

Allele frequency attached by ClinVar (database versions not stated): gnomAD 0.00008; TOPMed 0.00012; gnomAD exomes 0.00015; ESP Exome Variant Server 0.00023; ExAC 0.00037.
gnomAD v4.1: 231 of 1,611,472 alleles (0.014%); highest among the groups gnomAD compares: Non-Finnish European, 0.017%; no homozygotes.

Submission:

CeGaT Center for Human Genetics Tuebingen
Classification: Likely benign. Last evaluated: 2022-07-01. Review status: criteria provided, single submitter. Criteria: CeGaT Center For Human Genetics Tuebingen Variant Classification Criteria Version 2. Collection method: clinical testing. Allele origin: germline. Affected: yes. Observed: 1 variant allele.
Comment: SLC8A1: BP4, BP7

NM_021097.5(SLC8A1):c.2175T>A (p.Thr725=)

Genes: SLC8A1 (solute carrier family 8 member A1; minus strand), SLC8A1-AS1 (SLC8A1 antisense RNA 1; plus strand). Cytogenetic location: 2p22.1.
Variant type: single nucleotide variant.
Coding change: c.2175T>A on transcript NM_021097.5 (MANE Select); coding-DNA position 2175, T replaced by A.
Protein change: p.Thr725=; no amino-acid change (threonine 725 retained).
Molecular consequence: synonymous variant.
Genome position (GRCh38, 1-based): chr2:40,160,859, A>T on the plus strand (T>A on the coding strand, the complement: SLC8A1 is on the minus strand). VCF-style: chr2-40160859-A-T. GRCh37 (hg19) VCF-style: chr2-40387999-A-T.
Other names: c.2091T>A, p.Thr697= (NM_001351483.2, NM_001351484.2, NM_001351485.2); c.2088T>A, p.Thr696= (NM_001351486.2); c.2139T>A, p.Thr713= (NM_001351487.2, NM_001351488.2, NM_001351489.2 and 1 more transcripts); c.2070T>A, p.Thr690= (NM_001351490.2, NM_001351491.2, NM_001351492.2); c.2151T>A, p.Thr717= (NM_001351493.2, NM_001252624.2); c.2067T>A, p.Thr689= (NM_001351494.2, NM_001394106.1, NM_001394107.1 and 1 more transcripts); c.2175T>A, p.Thr725= (NM_001372263.2, NM_001394103.1); c.2160T>A, p.Thr720= (NM_001394104.1, NM_001112800.4); and 1 more.
Identifiers: ClinVar variation 2650848 (VCV002650848.24), dbSNP rs200171566, ClinGen allele CA1627309.
Genomic context (GRCh38, chr2:40,160,859, plus strand): 5'-TCTCCAGCTGTTAGTCCCAACCACAAGGGCCAGGTTTGTCTTCTTAATGAGTTTGTCCAC[A>T]GTACTCTAGAAATGTTGAAAAGAAAAATATAAATGCTGGGTTCGCTAAGGCCTCAGGAAA-3'
Protein context (NP_066920.1, residues 715-735): IIEESYEFKS[Thr725=]VDKLIKKTNL